The following is an entry in ClinVar:

NM_005032.7(PLS3):c.718T>C (p.Phe240Leu)

Gene: PLS3 (plastin 3; plus strand). Cytogenetic location: Xq23.
Variant type: single nucleotide variant.
Coding change: c.718T>C on transcript NM_005032.7 (MANE Select); coding-DNA position 718, T replaced by C.
Protein change: p.Phe240Leu; replaces phenylalanine 240 with leucine.
Molecular consequence: missense variant.
Genome position (GRCh38, 1-based): chrX:115,635,016, T>C. VCF-style: chrX-115635016-T-C. GRCh37 (hg19) VCF-style: chrX-114869328-T-C.
Other names: c.718T>C, p.Phe240Leu (NM_001136025.5); c.637T>C, p.Phe213Leu (NM_001172335.3); c.652T>C, p.Phe218Leu (NM_001282337.2); c.583T>C, p.Phe195Leu (NM_001282338.2); short protein forms F195L, F213L, F218L, F240L.
Identifiers: ClinVar variation 1363147 (VCV001363147.8), dbSNP rs1484621202, ClinGen allele CA414334168.

ClinVar aggregate classification (germline): Uncertain significance (1 of 4 stars; one submission).

Allele frequency attached by ClinVar (database versions not stated): TOPMed below 0.00001.

Submission:

Labcorp Genetics (formerly Invitae), Labcorp
Classification: Uncertain significance. Last evaluated: 2021-07-14. Review status: criteria provided, single submitter. Criteria: Invitae Variant Classification Sherloc (09022015). Collection method: clinical testing. Allele origin: germline.
Comment: This sequence change replaces phenylalanine with leucine at codon 240 of the PLS3 protein (p.Phe240Leu). The phenylalanine residue is highly conserved and there is a small physicochemical difference between phenylalanine and leucine. This variant is not present in population databases (ExAC no frequency). This variant has not been reported in the literature in individuals affected with PLS3-related conditions. Algorithms developed to predict the effect of missense changes on protein structure and function are either unavailable or do not agree on the potential impact of this missense change (SIFT: "Tolerated"; PolyPhen-2: "Probably Damaging"; Align-GVGD: "Class C0"). In summary, the available evidence is currently insufficient to determine the role of this variant in disease. Therefore, it has been classified as a Variant of Uncertain Significance.